The following is an entry in ClinVar:

NM_000059.4(BRCA2):c.8344_8351delinsCA (p.Ser2782_Arg2784delinsGln)

Gene: BRCA2 (BRCA2 DNA repair associated; plus strand). Cytogenetic location: 13q13.1.
Variant type: Indel.
Coding change: c.8344_8351delinsCA on transcript NM_000059.4 (MANE Select); coding-DNA positions 8344 to 8351, AGTACTCG replaced by CA.
Protein change: p.Ser2782_Arg2784delinsGln.
Molecular consequence: inframe indel.
Genome position (GRCh38, 1-based): chr13:32,370,414-32,370,421, AGTACTCG replaced by CA. VCF-style: chr13-32370414-AGTACTCG-CA. GRCh37 (hg19) VCF-style: chr13-32944551-AGTACTCG-CA.
Other names: c.8344_8351delAGTACTCGinsCA (NM_000059.3).
Identifiers: ClinVar variation 421671 (VCV000421671.2), dbSNP rs1064795286, ClinGen allele CA16619779.
Genomic context (GRCh38, chr13:32,370,414, plus strand): 5'-TGAATACATATTTAACTACTAAATCAATATATTTATTAATTTGTCCAGATTTCTGCTAAC[AGTACTCG>CA]GCCTGCTCGCTGGTATACCAAACTTGGATTCTTTCCTGACCCTAGACCTTTTCCTCTGCC-3'

ClinVar aggregate classification (germline): Likely pathogenic (1 of 4 stars; one submission).

Submission:

GeneDx
Classification: Likely pathogenic. Last evaluated: 2017-11-08. Review status: criteria provided, single submitter. Criteria: GeneDx Variant Classification (06012015). Collection method: clinical testing. Allele origin: germline. Affected: yes.
Comment: This variant is denoted BRCA2 c.8344_8351delAGTACTCGinsCA at the cDNA level, p.Ser2782_Arg2784delinsGln (S2782_R2784delinsQ) at the protein level. The surrounding sequence is TAAC[delAGTACTCG][insCA]GCCT. This in frame deletion and insertion, also denoted BRCA2 8572_8579delAGTACTCGinsCA using alternate nomenclature, occurs on the same allele resulting in the deletion of three correct residues (Serine, Threonine, and Arginine) and the addition of one incorrect residue (Glutamine). This variant has not, to our knowledge, been published in the literature as pathogenic or benign. BRCA2 c.8344_8351delAGTACTCGinsCA was not observed in approximately 6,500 individuals of European and African American ancestry in the NHLBI Exome Sequencing Project, indicating it is not a common benign variant in these populations. Even though this variant results in an in-frame transcript, the deleted residues are located within a region that is highly conserved and within the DNA binding domain as well as DSS1 contacting residue (Yang 2002). Based on currently available evidence, we consider c.8344_8351delAGTACTCGinsCA to be likely pathogenic.